The following is an entry in ClinVar:

ClinVar aggregate classification (germline): Benign/Likely benign. Review status: criteria provided, multiple submitters, no conflicts (2 of 4 stars). 4 submissions from 4 submitters: Benign (1); Likely benign (3). Last evaluated 2026-05-22.

Conditions:
Neurofibromatosis, type 1 (NF1). Also called: VON RECKLINGHAUSEN DISEASE; NEUROFIBROMATOSIS, TYPE I, SOMATIC; Neurofibromatosis, type I; Peripheral type neurofibromatosis. Identifiers: Orphanet 636, MedGen C0027831, MONDO:0018975, OMIM 162200. Disease mechanism: loss of function.
Hereditary cancer-predisposing syndrome. Also called: Hereditary Cancer Syndrome; Neoplastic Syndromes, Hereditary; Hereditary neoplastic syndrome; Tumor predisposition. Identifiers: Orphanet 140162, MedGen C0027672, MeSH D009386, MONDO:0015356.
Cardiovascular phenotype. Identifiers: MedGen CN230736.

Allele frequency attached by ClinVar (database versions not stated): gnomAD exomes below 0.00001.
gnomAD v4.1: 3 of 1,613,932 alleles (0.00019%); highest among the groups gnomAD compares: Middle Eastern, 0.016%; no homozygotes.

Submissions (4):

Myriad Genetics, Inc.
Classification: Benign for Neurofibromatosis, type 1. Last evaluated: 2026-05-22. Review status: criteria provided, single submitter. Criteria: Myriad Autosomal Dominant, Autosomal Recessive and X-Linked Classification Criteria (2023). Collection method: clinical testing. Allele origin: unknown.
Comment: This variant is considered benign. This variant is a silent/synonymous amino acid change and it is not expected to impact splicing.

Labcorp Genetics (formerly Invitae), Labcorp
Classification: Likely benign for Neurofibromatosis, type 1. Last evaluated: 2025-02-12. Review status: criteria provided, single submitter. Criteria: Invitae Variant Classification Sherloc (09022015). Collection method: clinical testing. Allele origin: germline.

Genome-Nilou Lab
Classification: Likely benign for Neurofibromatosis, type 1. Last evaluated: 2022-03-15. Review status: criteria provided, single submitter. Criteria: ACMG Guidelines, 2015. Collection method: clinical testing. Allele origin: germline. Affected: no.

Ambry Genetics
Classification: Likely benign for Cardiovascular phenotype; Hereditary cancer-predisposing syndrome. Last evaluated: 2015-11-01. Review status: criteria provided, single submitter. Criteria: Ambry General Variant Classification Scheme_2022. Collection method: clinical testing. Allele origin: germline. Observed: 1 variant allele.

NM_001042492.3(NF1):c.7770C>T (p.His2590=)

Gene: NF1 (neurofibromin 1; plus strand). Cytogenetic location: 17q11.2.
Variant type: single nucleotide variant.
Coding change: c.7770C>T on transcript NM_001042492.3 (MANE Select); coding-DNA position 7770, C replaced by T.
Protein change: p.His2590=; no amino-acid change (histidine 2590 retained).
Molecular consequence: synonymous variant.
Genome position (GRCh38, 1-based): chr17:31,356,991, C>T. VCF-style: chr17-31356991-C-T. GRCh37 (hg19) VCF-style: chr17-29684009-C-T.
Other names: c.7707C>T, p.His2569= (NM_000267.4).
Identifiers: ClinVar variation 413001 (VCV000413001.15), dbSNP rs1060503906, ClinGen allele CA16615591.